The following is an entry in ClinVar:

NM_024753.5(TTC21B):c.933G>A (p.Thr311=)

Gene: TTC21B (tetratricopeptide repeat domain 21B; minus strand). Cytogenetic location: 2q24.3.
Variant type: single nucleotide variant.
Coding change: c.933G>A on transcript NM_024753.5 (MANE Select); coding-DNA position 933, G replaced by A.
Protein change: p.Thr311=; no amino-acid change (threonine 311 retained).
Molecular consequence: synonymous variant.
Genome position (GRCh38, 1-based): chr2:165,930,326, C>T on the plus strand (G>A on the coding strand, the complement: TTC21B is on the minus strand). VCF-style: chr2-165930326-C-T. GRCh37 (hg19) VCF-style: chr2-166786836-C-T.
Other names: c.933G>A (NM_024753.4).
Identifiers: ClinVar variation 2163525 (VCV002163525.6), dbSNP rs758987237, ClinGen allele CA1942281.

ClinVar aggregate classification (germline): Likely benign. Review status: criteria provided, multiple submitters, no conflicts (2 of 4 stars). 3 submissions from 3 submitters: Likely benign (3). Last evaluated 2025-06-19.

Conditions:
TTC21B-related disorder. Also called: TTC21B-related condition; TTC21B-related disorders.
Jeune thoracic dystrophy. Also called: Short-rib thoracic dysplasia; Jeune syndrome; Infantile thoracic dystrophy; Thoracic pelvic phalangeal dystrophy; Jeune's syndrome; Chondroectodermal dysplasia-like syndrome. Identifiers: Orphanet 474, MedGen C0265275, MONDO:0018770.
Nephronophthisis. Also called: Juvenile Nephronophthisis. Identifiers: Orphanet 655, MedGen C0687120, MONDO:0019005, HP:0000090.

Allele frequency attached by ClinVar (database versions not stated): ExAC 0.00002; gnomAD exomes 0.00002; TOPMed 0.00002.
gnomAD v4.1: 28 of 1,611,726 alleles (0.0017%); highest among the groups gnomAD compares: Admixed American, 0.0033%; no homozygotes.

Submissions (3):

PreventionGenetics, part of Exact Sciences
Classification: Likely benign for TTC21B-related condition. Last evaluated: 2025-06-19. Review status: criteria provided, single submitter. Criteria: ACMG Guidelines, 2015. Collection method: clinical testing. Allele origin: germline.
Comment: This variant is classified as likely benign based on ACMG/AMP sequence variant interpretation guidelines (Richards et al. 2015 PMID: 25741868, with internal and published modifications).

Labcorp Genetics (formerly Invitae), Labcorp
Classification: Likely benign for Jeune thoracic dystrophy; Nephronophthisis. Last evaluated: 2022-09-27. Review status: criteria provided, single submitter. Criteria: Invitae Variant Classification Sherloc (09022015). Collection method: clinical testing. Allele origin: germline.

Blueprint Genetics
Classification: Likely benign. Last evaluated: 2021-03-10. Review status: criteria provided, single submitter. Criteria: ACMG Guidelines, 2015. Collection method: clinical testing. Allele origin: germline.